The following is an entry in ClinVar:

ClinVar aggregate classification (germline): Uncertain significance (1 of 4 stars; one submission).

Conditions:
Cardiovascular phenotype. Identifiers: MedGen CN230736.

Submission:

Ambry Genetics
Classification: Uncertain significance for Cardiovascular phenotype. Last evaluated: 2022-10-21. Review status: criteria provided, single submitter. Criteria: Ambry Variant Classification Scheme 2023. Collection method: clinical testing. Allele origin: germline.
Comment: The p.A10T variant (also known as c.28G>A), located in coding exon 1 of the EPHB4 gene, results from a G to A substitution at nucleotide position 28. The alanine at codon 10 is replaced by threonine, an amino acid with similar properties. This amino acid position is conserved. In addition, this alteration is predicted to be tolerated by in silico analysis. Since supporting evidence is limited at this time, the clinical significance of this alteration remains unclear.

NM_004444.5(EPHB4):c.28G>A (p.Ala10Thr)

Genes: EPHB4 (EPH receptor B4; minus strand), SLC12A9 (solute carrier family 12 member 9; plus strand). Cytogenetic location: 7q22.1.
Variant type: single nucleotide variant.
Coding change: c.28G>A on transcript NM_004444.5 (MANE Select); coding-DNA position 28, G replaced by A.
Protein change: p.Ala10Thr; replaces alanine 10 with threonine.
Molecular consequence: missense variant. On other transcripts: 5 prime UTR variant (1).
Genome position (GRCh38, 1-based): chr7:100,827,003, C>T on the plus strand (G>A on the coding strand, the complement: EPHB4 is on the minus strand). VCF-style: chr7-100827003-C-T. GRCh37 (hg19) VCF-style: chr7-100424625-C-T.
Other names: c.-26C>T (NM_001363494.1); short protein forms A10T.
Identifiers: ClinVar variation 1797427 (VCV001797427.2), dbSNP rs373130748, ClinGen allele CA368585831.
Genomic context (GRCh38, chr7:100,827,003, plus strand): 5'-GTGACGGGGTGCGCCCCCCCCCGCAAGGAAACTCACCTTCCAAAGCTGCGGCCAACGAAG[C>T]CCAGCAGAGCAGCACCCGGAGCTCCATGGCGCCGCCTCACTCGGGTAGGATCCGAACTGA-3'
Protein context (NP_004435.3, residues 1-20): MELRVLLCW[Ala10Thr]SLAAALEETL